The following is an entry in ClinVar:

ClinVar aggregate classification (germline): Uncertain significance. Review status: criteria provided, single submitter (1 of 4 stars). 2 submissions from 2 submitters: Uncertain significance (1). 1 of the submissions does not count toward it. Last evaluated 2021-08-28.

Conditions:
Wilson disease (WND). Also called: Wilson's disease. Identifiers: Orphanet 905, MedGen C0019202, MONDO:0010200, OMIM 277900. Disease mechanism: loss of function.

Allele frequency attached by ClinVar (database versions not stated): gnomAD 0.00001; ExAC 0.00006; 1000 Genomes Project 30x 0.00016; 1000 Genomes Project 0.00020.
gnomAD v4.1: 38 of 1,614,270 alleles (0.0024%); highest among the groups gnomAD compares: South Asian, 0.041%; 1 homozygote.

Submissions (2):

Labcorp Genetics (formerly Invitae), Labcorp
Classification: Uncertain significance for Wilson disease. Last evaluated: 2021-08-28. Review status: criteria provided, single submitter. Criteria: Invitae Variant Classification Sherloc (09022015). Collection method: clinical testing. Allele origin: germline.
Comment: This sequence change affects codon 397 of the ATP7B mRNA. It is a 'silent' change, meaning that it does not change the encoded amino acid sequence of the ATP7B protein. This variant is present in population databases (rs561017302, ExAC 0.04%). This variant has not been reported in the literature in individuals affected with ATP7B-related conditions. Algorithms developed to predict the effect of sequence changes on RNA splicing suggest that this variant may create or strengthen a splice site. In summary, the available evidence is currently insufficient to determine the role of this variant in disease. Therefore, it has been classified as a Variant of Uncertain Significance.

Natera, Inc.
Classification: Uncertain significance for Wilson disease. Last evaluated: 2020-03-10. Review status: no assertion criteria provided. Collection method: clinical testing. Allele origin: germline. Not counted in ClinVar's aggregate classification.

NM_000053.4(ATP7B):c.1191G>T (p.Gly397=)

Gene: ATP7B (ATPase copper transporting beta; minus strand). Cytogenetic location: 13q14.3.
Variant type: single nucleotide variant.
Coding change: c.1191G>T on transcript NM_000053.4 (MANE Select); coding-DNA position 1191, G replaced by T.
Protein change: p.Gly397=; no amino-acid change (glycine 397 retained).
Molecular consequence: synonymous variant.
Genome position (GRCh38, 1-based): chr13:51,974,029, C>A on the plus strand (G>T on the coding strand, the complement: ATP7B is on the minus strand). VCF-style: chr13-51974029-C-A. GRCh37 (hg19) VCF-style: chr13-52548165-C-A.
Other names: c.1191G>T, p.Gly397= (NM_001005918.3, NM_001330578.2, NM_001330579.2); c.858G>T, p.Gly286= (NM_001243182.2).
Identifiers: ClinVar variation 664674 (VCV000664674.7), dbSNP rs561017302, ClinGen allele CA6989417.
Genomic context (GRCh38, chr13:51,974,029, plus strand): 5'-TATAGCAGCTCTGAGTTCTTCTGGGCTAATTACAGAGGGATTATAAAGAACTGTTGCAGT[C>A]CCTTCGGCCAAAGACACCGATATTTGCTGCACCCCTTCCAGTTGGGAGATCATGCCTTCA-3'
Protein context (NP_000044.2, residues 387-407): VQQISVSLAE[Gly397=]TATVLYNPSV